The following is an entry in ClinVar:

NM_004933.3(CDH15):c.615C>T (p.Asp205=)

Gene: CDH15 (cadherin 15; plus strand). Cytogenetic location: 16q24.3.
Variant type: single nucleotide variant.
Coding change: c.615C>T on transcript NM_004933.3 (MANE Select); coding-DNA position 615, C replaced by T.
Protein change: p.Asp205=; no amino-acid change (aspartic acid 205 retained).
Molecular consequence: synonymous variant.
Genome position (GRCh38, 1-based): chr16:89,185,285, C>T. VCF-style: chr16-89185285-C-T. GRCh37 (hg19) VCF-style: chr16-89251693-C-T.
Identifiers: ClinVar variation 128654 (VCV000128654.11), dbSNP rs148424541, ClinGen allele CA152246.

ClinVar aggregate classification (germline): Benign. Review status: criteria provided, multiple submitters, no conflicts (2 of 4 stars). 3 submissions from 3 submitters: Benign (2). 1 of the submissions does not count toward it. Last evaluated 2019-12-31.

Allele frequency attached by ClinVar (database versions not stated): gnomAD 0.01199 and 0.01282; TOPMed 0.01362; 1000 Genomes Project 0.01358; ESP Exome Variant Server 0.01248; 1000 Genomes Project 30x 0.01343.

Submissions (3):

Labcorp Genetics (formerly Invitae), Labcorp
Classification: Benign. Last evaluated: 2019-12-31. Review status: criteria provided, single submitter. Criteria: Invitae Variant Classification Sherloc (09022015). Collection method: clinical testing. Allele origin: germline.

Breakthrough Genomics
Classification: Benign. Review status: criteria provided, single submitter. Criteria: ACMG Guidelines, 2015. Collection method: not provided. Allele origin: germline. Inheritance: Autosomal dominant inheritance. Affected: yes.

Genetic Services Laboratory, University of Chicago
Classification: Likely benign for AllHighlyPenetrant. Review status: no assertion criteria provided. Collection method: clinical testing. Allele origin: germline. Inheritance: Autosomal dominant inheritance. Not counted in ClinVar's aggregate classification.
Comment: Likely benign based on allele frequency in 1000 Genomes Project or ESP global frequency and its presence in a patient with a rare or unrelated disease phenotype. NOT Sanger confirmed.